The following is an entry in ClinVar:

NM_004036.5(ADCY3):c.3023A>C (p.Glu1008Ala)

Genes: ADCY3 (adenylate cyclase 3; minus strand), CENPO (centromere protein O; plus strand). Cytogenetic location: 2p23.3.
Variant type: single nucleotide variant.
Coding change: c.3023A>C on transcript NM_004036.5 (MANE Select); coding-DNA position 3023, A replaced by C.
Protein change: p.Glu1008Ala; replaces glutamic acid 1008 with alanine.
Molecular consequence: missense variant. On other transcripts: 3 prime UTR variant (3), non-coding transcript variant (3).
Genome position (GRCh38, 1-based): chr2:24,821,621, T>G on the plus strand (A>C on the coding strand, the complement: ADCY3 is on the minus strand). VCF-style: chr2-24821621-T-G. GRCh37 (hg19) VCF-style: chr2-25044490-T-G.
Other names: c.3026A>C, p.Glu1009Ala (NM_001320613.2); c.3089A>C, p.Glu1030Ala (NM_001377128.1); c.2885A>C, p.Glu962Ala (NM_001377129.1); c.2471A>C, p.Glu824Ala (NM_001377130.1); c.2300A>C, p.Glu767Ala (NM_001377131.1); c.3023A>C, p.Glu1008Ala (NM_001377132.1); c.*2303T>G (NM_001199803.3, NM_001322101.2, NM_024322.4); short protein forms E1008A, E1009A, E1030A, E767A, E824A, E962A.
Identifiers: ClinVar variation 3031054 (VCV003031054.2), dbSNP rs751871836, ClinGen allele CA1553532.

ClinVar aggregate classification (germline): Uncertain significance (0 of 4 stars; one submission).

Conditions:
ADCY3-related disorder. Also called: ADCY3-related condition.

Allele frequency attached by ClinVar (database versions not stated): gnomAD 0.00002; TOPMed 0.00005; ExAC 0.00015.
gnomAD v4.1: 57 of 1,613,912 alleles (0.0035%); highest among the groups gnomAD compares: East Asian, 0.0067%; 1 homozygote.

Submission:

PreventionGenetics, part of Exact Sciences
Classification: Uncertain significance for ADCY3-related condition. Last evaluated: 2024-09-04. Review status: no assertion criteria provided. Collection method: clinical testing. Allele origin: germline.
Comment: The ADCY3 c.3026A>C variant is predicted to result in the amino acid substitution p.Glu1009Ala. To our knowledge, this variant has not been reported in the literature in individuals with ADCY3-related disorders. This variant is reported in 0.015% of alleles in individuals of East Asian descent in gnomAD. At this time, the clinical significance of this variant is uncertain due to the absence of conclusive functional and genetic evidence.